The following is an entry in ClinVar:

NM_022552.5(DNMT3A):c.89A>C (p.Glu30Ala)

Gene: DNMT3A (DNA methyltransferase 3 alpha; minus strand). Cytogenetic location: 2p23.3.
Variant type: single nucleotide variant.
Coding change: c.89A>C on transcript NM_022552.5 (MANE Select); coding-DNA position 89, A replaced by C.
Protein change: p.Glu30Ala; replaces glutamic acid 30 with alanine.
Molecular consequence: missense variant. On other transcripts: non-coding transcript variant (1).
Genome position (GRCh38, 1-based): chr2:25,300,227, T>G on the plus strand (A>C on the coding strand, the complement: DNMT3A is on the minus strand). VCF-style: chr2-25300227-T-G. GRCh37 (hg19) VCF-style: chr2-25523096-T-G.
Other names: c.89A>C, p.Glu30Ala (NM_001320892.2, NM_175629.2, NM_175630.1); short protein forms E30A.
Identifiers: ClinVar variation 133982 (VCV000133982.41), dbSNP rs143730975, ClinGen allele CA158306.

ClinVar aggregate classification (germline): Benign/Likely benign. Review status: criteria provided, multiple submitters, no conflicts (2 of 4 stars). 9 submissions from 9 submitters: Benign (2); Likely benign (3). 4 of the submissions do not count toward it. Last evaluated 2026-09-01.

Conditions:
DNMT3A-related disorder. Also called: DNMT3A-related disorders; DNMT3A-related condition.
Tatton-Brown-Rahman overgrowth syndrome. Also called: Tall stature-intellectual disability-facial dysmorphism syndrome; Tatton-Brown-Rahman syndrome. Identifiers: Orphanet 404443, MedGen C4014545, MONDO:0014382, OMIM 615879.

Allele frequency attached by ClinVar (database versions not stated): gnomAD 0.00459; ESP Exome Variant Server 0.00138; 1000 Genomes Project 30x 0.00141; TOPMed 0.00158; 1000 Genomes Project 0.00160; ExAC 0.00296; gnomAD exomes 0.00326.
gnomAD v4.1: 4,408 of 1,608,508 alleles (0.27%); highest among the groups gnomAD compares: Non-Finnish European, 0.24%; 19 homozygotes.

Submissions (9):

CeGaT Center for Human Genetics Tuebingen
Classification: Likely benign. Last evaluated: 2026-09-01. Review status: criteria provided, single submitter. Criteria: CeGaT Center For Human Genetics Tuebingen Variant Classification Criteria Version 2. Collection method: clinical testing. Allele origin: germline. Affected: yes. Observed: 10 variant alleles.
Comment: DNMT3A: BS1

Labcorp Genetics (formerly Invitae), Labcorp
Classification: Benign for Tatton-Brown-Rahman overgrowth syndrome. Last evaluated: 2026-02-01. Review status: criteria provided, single submitter. Criteria: Invitae Variant Classification Sherloc (09022015). Collection method: clinical testing. Allele origin: germline.

GeneDx
Classification: Benign. Last evaluated: 2021-01-11. Review status: criteria provided, single submitter. Criteria: GeneDx Variant Classification Process June 2021. Collection method: clinical testing. Allele origin: germline. Affected: yes.
Comment: This variant is associated with the following publications: (PMID: 21519343, 32199932)

Mendelics
Classification: Likely benign for Tatton-Brown-Rahman overgrowth syndrome. Last evaluated: 2019-05-28. Review status: criteria provided, single submitter. Criteria: Mendelics Assertion Criteria 2017. Collection method: clinical testing. Allele origin: unknown.

Center for Pediatric Genomic Medicine, Children's Mercy Hospital and Clinics
Classification: Likely benign. Last evaluated: 2017-04-18. Review status: criteria provided, single submitter. Criteria: ACMG Guidelines, 2015. Collection method: clinical testing. Allele origin: germline.

PreventionGenetics, part of Exact Sciences
Classification: Benign for DNMT3A-related condition. Last evaluated: 2019-09-10. Review status: no assertion criteria provided. Collection method: clinical testing. Allele origin: germline. Not counted in ClinVar's aggregate classification.
Comment: This variant is classified as benign based on ACMG/AMP sequence variant interpretation guidelines (Richards et al. 2015 PMID: 25741868, with internal and published modifications).

ITMI
No classification provided. Condition: AllHighlyPenetrant. Last evaluated: 2013-09-19. Review status: no classification provided. Collection method: reference population. Allele origin: germline. Not counted in ClinVar's aggregate classification.
Comment: Please see associated publication for description of ethnicities

Clinical Genetics DNA and cytogenetics Diagnostics Lab, Erasmus MC, Erasmus Medical Center
Classification: Likely benign. Review status: no assertion criteria provided. Collection method: clinical testing. Allele origin: germline. Affected: yes. Study: VKGL Data-share Consensus. Not counted in ClinVar's aggregate classification.

Laboratory of Diagnostic Genome Analysis, Leiden University Medical Center (LUMC)
Classification: Likely benign. Review status: no assertion criteria provided. Collection method: clinical testing. Allele origin: germline. Affected: yes. Study: VKGL Data-share Consensus. Not counted in ClinVar's aggregate classification.

Literature cited by the submitters: PubMed 24728327 (cited by ITMI).